The following is an entry in ClinVar:

ClinVar aggregate classification (germline): Uncertain significance (1 of 4 stars; one submission).

Submission:

Women's Health and Genetics/Laboratory Corporation of America, LabCorp
Classification: Uncertain significance. Last evaluated: 2024-11-19. Review status: criteria provided, single submitter. Criteria: LabCorp Variant Classification Summary - May 2015. Collection method: clinical testing. Allele origin: germline.
Comment: Variant summary: TBX19 c.727+5G>A, also reported as IVS5+5G>A, alters a conserved nucleotide located close to a canonical splice site and therefore could affect mRNA splicing, leading to a significantly altered protein sequence. Several computational tools predict a significant impact on normal splicing: Four predict the variant abolishes a 5' splicing donor site. However, these predictions have yet to be confirmed by functional studies. In at least 1 study, it was suggested a variant at this position (nucleotide change not clear) decreased protein production, however data were not shown (example, Couture_2012). The variant was absent in 251244 control chromosomes. The available data on variant occurrences in the general population are insufficient to allow any conclusion about variant significance. c.727+5G>A has been reported with unknown zygosity in the literature in at least 2 individuals affected with Adrenocorticotropic Hormone Deficiency (Couture_2012). These report(s) do not provide unequivocal conclusions about association of the variant with Adrenocorticotropic Hormone Deficiency. No submitters have cited clinical-significance assessments for this variant to ClinVar. Based on the evidence outlined above, the variant was classified as uncertain significance.

Literature cited by the submitters: PubMed 22170728.

NM_005149.3(TBX19):c.727+5G>A

Gene: TBX19 (T-box transcription factor 19; plus strand). Cytogenetic location: 1q24.2.
Variant type: single nucleotide variant.
Coding change: c.727+5G>A on transcript NM_005149.3 (MANE Select); 5 bases into the intron after coding-DNA position 727, G replaced by A.
Molecular consequence: intron variant.
Genome position (GRCh38, 1-based): chr1:168,300,488, G>A. VCF-style: chr1-168300488-G-A. GRCh37 (hg19) VCF-style: chr1-168269726-G-A.
Identifiers: ClinVar variation 3630005 (VCV003630005.1).
Genomic context (GRCh38, chr1:168,300,488, plus strand): 5'-CCTAAGAGACGTACCGGAGGCTATCTCTGAGAGCCAGCATGTGACCTATTCTCACTGTGA[G>A]TTGGGTGTACATGAGGCGGGAGGTGCGTGGGGCTGTACCTGGAGCCAGCTCCTTCCACAC-3'